The following is an entry in ClinVar:

NM_001371596.2(MFSD8):c.112T>G (p.Ser38Ala)

Gene: MFSD8 (major facilitator superfamily domain containing 8; minus strand). Cytogenetic location: 4q28.2.
Variant type: single nucleotide variant.
Coding change: c.112T>G on transcript NM_001371596.2 (MANE Select); coding-DNA position 112, T replaced by G.
Protein change: p.Ser38Ala; replaces serine 38 with alanine.
Molecular consequence: missense variant. On other transcripts: 5 prime UTR variant (1).
Genome position (GRCh38, 1-based): chr4:127,957,543, A>C on the plus strand (T>G on the coding strand, the complement: MFSD8 is on the minus strand). VCF-style: chr4-127957543-A-C. GRCh37 (hg19) VCF-style: chr4-128878698-A-C.
Other names: c.112T>G, p.Ser38Ala (NM_001363520.3, NM_001363521.3, NM_001371591.2 and 5 more transcripts); c.-24T>G (NM_001371590.2, NM_001371595.1, NM_001410765.1); short protein forms S38A.
Identifiers: ClinVar variation 1715882 (VCV001715882.5), dbSNP rs2546240832, ClinGen allele CA358165117.
Genomic context (GRCh38, chr4:127,957,543, plus strand): 5'-TGTATTTCTAATACTTACCTACACTGCTGAGAAACATAGTAAGATATAAAATCCTAATAG[A>C]TCTCCATCGGCTCTTATAATGCTCTTCAGTCTCTAAAATGTCCCATTCTCTAGGTGTAAA-3'
Protein context (NP_001358525.1, residues 28-48): TEEHYKSRWR[Ser38Ala]IRILYLTMFL

ClinVar aggregate classification (germline): Uncertain significance (1 of 4 stars; one submission).

Conditions:
Neuronal ceroid lipofuscinosis 7 (CLN7). Also called: MFSD8-Related Neuronal Ceroid-Lipofuscinosis. Identifiers: Orphanet 168491, Orphanet 228366, MedGen C1838571, MONDO:0012588, OMIM 610951.

Submission:

Labcorp Genetics (formerly Invitae), Labcorp
Classification: Uncertain significance for Neuronal ceroid lipofuscinosis 7. Last evaluated: 2022-08-09. Review status: criteria provided, single submitter. Criteria: Invitae Variant Classification Sherloc (09022015). Collection method: clinical testing. Allele origin: germline.
Comment: This variant is not present in population databases (gnomAD no frequency). This sequence change replaces serine, which is neutral and polar, with alanine, which is neutral and non-polar, at codon 38 of the MFSD8 protein (p.Ser38Ala). This variant has not been reported in the literature in individuals affected with MFSD8-related conditions. In summary, the available evidence is currently insufficient to determine the role of this variant in disease. Therefore, it has been classified as a Variant of Uncertain Significance. Algorithms developed to predict the effect of missense changes on protein structure and function are either unavailable or do not agree on the potential impact of this missense change (SIFT: "Deleterious"; PolyPhen-2: "Benign"; Align-GVGD: "Class C0").